The following is an entry in ClinVar:

ClinVar aggregate classification (germline): Pathogenic (1 of 4 stars; one submission).

Conditions:
Parathyroid carcinoma (PRTC). Also called: Parathyroid gland carcinoma; CDC73-Related Parathyroid Carcinoma. Identifiers: Orphanet 143, MedGen C0687150, MONDO:0012004, OMIM 608266, HP:0006780.

Submission:

Labcorp Genetics (formerly Invitae), Labcorp
Classification: Pathogenic for Parathyroid carcinoma. Last evaluated: 2024-08-28. Review status: criteria provided, single submitter. Criteria: Invitae Variant Classification Sherloc (09022015). Collection method: clinical testing. Allele origin: germline.
Comment: This sequence change creates a premature translational stop signal (p.Gln437Serfs*27) in the CDC73 gene. It is expected to result in an absent or disrupted protein product. Loss-of-function variants in CDC73 are known to be pathogenic (PMID: 12434154). This variant is not present in population databases (gnomAD no frequency). This variant has not been reported in the literature in individuals affected with CDC73-related conditions. For these reasons, this variant has been classified as Pathogenic.

Literature cited by the submitters: PubMed 12434154.

NM_024529.5(CDC73):c.1307dup (p.Gln437fs)

Gene: CDC73 (cell division cycle 73; plus strand). Cytogenetic location: 1q31.2.
Variant type: Duplication.
Coding change: c.1307dup on transcript NM_024529.5 (MANE Select); coding-DNA position 1307, one base duplicated (C; older notation c.1307dupC).
Protein change: p.Gln437fs; shifts the reading frame from glutamine 437.
Molecular consequence: frameshift variant.
Genome position (GRCh38, 1-based): chr1:193,233,145, C duplicated; the last of 2 consecutive C bases (chr1:193,233,144-193,233,145); duplicating either gives the same sequence. VCF-style (leftmost placement, unchanged base first): chr1-193233143-G-GC. GRCh37 (hg19) VCF-style: chr1-193202273-G-GC.
Other names: short protein forms Q437fs.
Identifiers: ClinVar variation 3668340 (VCV003668340.2).